The following is an entry in ClinVar:

NM_004446.3(EPRS1):c.732A>G (p.Glu244=)

Gene: EPRS1 (glutamyl-prolyl-tRNA synthetase 1; minus strand). Cytogenetic location: 1q41.
Variant type: single nucleotide variant.
Coding change: c.732A>G on transcript NM_004446.3 (MANE Select); coding-DNA position 732, A replaced by G.
Protein change: p.Glu244=; no amino-acid change (glutamic acid 244 retained).
Molecular consequence: synonymous variant.
Genome position (GRCh38, 1-based): chr1:220,025,150, T>C on the plus strand (A>G on the coding strand, the complement: EPRS1 is on the minus strand). VCF-style: chr1-220025150-T-C. GRCh37 (hg19) VCF-style: chr1-220198492-T-C.
Identifiers: ClinVar variation 1681002 (VCV001681002.9), dbSNP rs780308576, ClinGen allele CA1400472.

ClinVar aggregate classification (germline): Likely benign. Review status: criteria provided, multiple submitters, no conflicts (2 of 4 stars). 2 submissions from 2 submitters: Likely benign (2). Last evaluated 2026-08-01.

Allele frequency attached by ClinVar (database versions not stated): gnomAD exomes below 0.00001 and 0.00001; ExAC 0.00001.
gnomAD v4.1: 3 of 1,613,510 alleles (0.00019%); highest among the groups gnomAD compares: Middle Eastern, 0.017%; no homozygotes.

Submissions (2):

CeGaT Center for Human Genetics Tuebingen
Classification: Likely benign. Last evaluated: 2026-08-01. Review status: criteria provided, single submitter. Criteria: CeGaT Center For Human Genetics Tuebingen Variant Classification Criteria Version 2. Collection method: clinical testing. Allele origin: germline. Affected: yes. Observed: 1 variant allele.
Comment: EPRS1: BP4, BP7

Labcorp Genetics (formerly Invitae), Labcorp
Classification: Likely benign. Last evaluated: 2024-12-02. Review status: criteria provided, single submitter. Criteria: Invitae Variant Classification Sherloc (09022015). Collection method: clinical testing. Allele origin: germline.